The following is an entry in ClinVar:

NM_052947.4(ALPK2):c.6034A>C (p.Ile2012Leu)

Gene: ALPK2 (alpha kinase 2; minus strand). Cytogenetic location: 18q21.31.
Variant type: single nucleotide variant.
Coding change: c.6034A>C on transcript NM_052947.4 (MANE Select); coding-DNA position 6034, A replaced by C.
Protein change: p.Ile2012Leu; replaces isoleucine 2012 with leucine.
Molecular consequence: missense variant.
Genome position (GRCh38, 1-based): chr18:58,504,144, T>G on the plus strand (A>C on the coding strand, the complement: ALPK2 is on the minus strand). VCF-style: chr18-58504144-T-G. GRCh37 (hg19) VCF-style: chr18-56171376-T-G.
Other names: short protein forms I2012L.
Identifiers: ClinVar variation 3228836 (VCV003228836.1), dbSNP rs1432045403, ClinGen allele CA402544633.
Genomic context (GRCh38, chr18:58,504,144, plus strand): 5'-CCTCCTCCACTGTAGCATACGGGATATTGTTCTCAGGCCGATGGATAAGAAAAATAGGAA[T>G]GATCCTGGCAGGGAAGAGAACACAGGCGCACATCAAGGTCTCTACTGGGAAGAGAGGCTC-3'
Protein context (NP_443179.3, residues 2002-2022): LEGFGEVPEI[Ile2012Leu]PIFLIHRPEN

ClinVar aggregate classification (germline): Uncertain significance (1 of 4 stars; one submission).

gnomAD v4.1: 1 of 1,613,758 alleles (0.000062%); no homozygotes.

Submission:

Ambry Genetics
Classification: Uncertain significance. Last evaluated: 2023-10-19. Review status: criteria provided, single submitter. Criteria: Ambry Variant Classification Scheme 2023. Collection method: clinical testing. Allele origin: germline.
Comment: The p.I2012L variant (also known as c.6034A>C), located in coding exon 10 of the ALPK2 gene, results from an A to C substitution at nucleotide position 6034. The isoleucine at codon 2012 is replaced by leucine, an amino acid with highly similar properties. This amino acid position is conserved. In addition, this alteration is predicted to be tolerated by in silico analysis. Since supporting evidence is limited at this time, the clinical significance of this alteration remains unclear.